The following is an entry in ClinVar:

NM_001621.5(AHR):c.544C>G (p.Gln182Glu)

Gene: AHR (aryl hydrocarbon receptor; plus strand). Cytogenetic location: 7p21.1.
Variant type: single nucleotide variant.
Coding change: c.544C>G on transcript NM_001621.5 (MANE Select); coding-DNA position 544, C replaced by G.
Protein change: p.Gln182Glu; replaces glutamine 182 with glutamic acid.
Molecular consequence: missense variant.
Genome position (GRCh38, 1-based): chr7:17,330,045, C>G. VCF-style: chr7-17330045-C-G. GRCh37 (hg19) VCF-style: chr7-17369669-C-G.
Other names: short protein forms Q182E.
Identifiers: ClinVar variation 1492982 (VCV001492982.3), dbSNP rs776836010, ClinGen allele CA4171863.

ClinVar aggregate classification (germline): Uncertain significance (1 of 4 stars; one submission).

Allele frequency attached by ClinVar (database versions not stated): gnomAD 0.00001; gnomAD exomes 0.00001 and 0.00003; ExAC 0.00004.
gnomAD v4.1: 11 of 1,611,094 alleles (0.00068%); highest among the groups gnomAD compares: South Asian, 0.011%; 1 homozygote.

Submission:

Labcorp Genetics (formerly Invitae), Labcorp
Classification: Uncertain significance. Last evaluated: 2021-08-09. Review status: criteria provided, single submitter. Criteria: Invitae Variant Classification Sherloc (09022015). Collection method: clinical testing. Allele origin: germline.
Comment: This sequence change replaces glutamine with glutamic acid at codon 182 of the AHR protein (p.Gln182Glu). The glutamine residue is moderately conserved and there is a small physicochemical difference between glutamine and glutamic acid. This variant is present in population databases (rs776836010, ExAC 0.03%). This variant has not been reported in the literature in individuals affected with AHR-related conditions. Algorithms developed to predict the effect of missense changes on protein structure and function (SIFT, PolyPhen-2, Align-GVGD) all suggest that this variant is likely to be tolerated. In summary, the available evidence is currently insufficient to determine the role of this variant in disease. Therefore, it has been classified as a Variant of Uncertain Significance.